The following is an entry in ClinVar:

ClinVar aggregate classification (germline): Uncertain significance. Review status: criteria provided, multiple submitters, no conflicts (2 of 4 stars). 3 submissions from 3 submitters: Uncertain significance (3). Last evaluated 2025-09-08.

Conditions:
Familial melanoma. Also called: Hereditary melanoma; Hereditary cutaneous melanoma. Identifiers: Orphanet 618, MedGen C1512419, MONDO:0018961.
Hereditary cancer-predisposing syndrome. Also called: Hereditary Cancer Syndrome; Hereditary neoplastic syndrome; Neoplastic Syndromes, Hereditary; Tumor predisposition. Identifiers: Orphanet 140162, MedGen C0027672, MeSH D009386, MONDO:0015356.

Allele frequency attached by ClinVar (database versions not stated): gnomAD exomes below 0.00001 and 0.00001; TOPMed 0.00001.
gnomAD v4.1: 3 of 1,614,010 alleles (0.00019%); highest among the groups gnomAD compares: East Asian, 0.0067%; no homozygotes.

Submissions (3):

Labcorp Genetics (formerly Invitae), Labcorp
Classification: Uncertain significance for Familial melanoma. Last evaluated: 2025-09-08. Review status: criteria provided, single submitter. Criteria: Invitae Variant Classification Sherloc (09022015). Collection method: clinical testing. Allele origin: germline.
Comment: This sequence change falls in intron 7 of the CDK4 gene. It does not directly change the encoded amino acid sequence of the CDK4 protein. It affects a nucleotide within the consensus splice site. This variant is present in population databases (no rsID available, gnomAD 0.01%). This variant has not been reported in the literature in individuals affected with CDK4-related conditions. ClinVar contains an entry for this variant (Variation ID: 408334). Variants that disrupt the consensus splice site are a relatively common cause of aberrant splicing (PMID: 17576681, 9536098). Algorithms developed to predict the effect of sequence changes on RNA splicing suggest that this variant is not likely to affect RNA splicing. In summary, the available evidence is currently insufficient to determine the role of this variant in disease. Therefore, it has been classified as a Variant of Uncertain Significance.

Quest Diagnostics Nichols Institute San Juan Capistrano
Classification: Uncertain significance. Last evaluated: 2023-12-19. Review status: criteria provided, single submitter. Criteria: Quest Diagnostics criteria. Collection method: clinical testing. Allele origin: unknown.
Comment: The CDK4 c.819+4C>T variant has not been reported in individuals with CDK4-related conditions in the published literature. The frequency of this variant in the general population, 0.000008 (2/250102 chromosomes (Genome Aggregation Database)), is uninformative in the assessment of its pathogenicity. Analysis of this variant using software algorithms for the prediction of the effect of nucleotide changes on CDK4 mRNA splicing yielded inconclusive findings. Based on the available information, we are unable to determine the clinical significance of this variant.

Ambry Genetics
Classification: Uncertain significance for Hereditary cancer-predisposing syndrome. Last evaluated: 2023-08-01. Review status: criteria provided, single submitter. Criteria: Ambry Variant Classification Scheme 2023. Collection method: clinical testing. Allele origin: germline.
Comment: The c.819+4C>T intronic variant results from a C to T substitution 4 nucleotides after coding exon 6 in the CDK4 gene. This nucleotide position is not well conserved in available vertebrate species. In silico splice site analysis predicts that this alteration will not have any significant effect on splicing. Since supporting evidence is limited at this time, the clinical significance of this alteration remains unclear.

Literature cited by the submitters: PubMed 17576681 (cited by Labcorp Genetics (formerly Invitae), Labcorp); PubMed 9536098 (cited by Labcorp Genetics (formerly Invitae), Labcorp).

NM_000075.4(CDK4):c.819+4C>T

Genes: TSPAN31 (tetraspanin 31; plus strand), CDK4 (cyclin dependent kinase 4; minus strand). Cytogenetic location: 12q14.1.
Variant type: single nucleotide variant.
Coding change: c.819+4C>T on transcript NM_000075.4 (MANE Select); 4 bases into the intron after coding-DNA position 819, C replaced by T.
Molecular consequence: intron variant. On other transcripts: 3 prime UTR variant (3).
Genome position (GRCh38, 1-based): chr12:57,749,178, G>A on the plus strand (C>T on the coding strand, the complement: CDK4 is on the minus strand). VCF-style: chr12-57749178-G-A. GRCh37 (hg19) VCF-style: chr12-58142961-G-A.
Other names: c.*1888G>A (NM_001330168.2, NM_001330169.2, NM_005981.5).
Identifiers: ClinVar variation 408334 (VCV000408334.14), dbSNP rs1060501928, ClinGen allele CA16613838.